The following is an entry in ClinVar:

ClinVar aggregate classification (germline): Uncertain significance (1 of 4 stars; one submission).

gnomAD v4.1: 39 of 1,568,430 alleles (0.0025%); highest among the groups gnomAD compares: Admixed American, 0.0055%; no homozygotes.

Submission:

Dasa
Classification: Uncertain significance. Last evaluated: 2026-01-06. Review status: criteria provided, single submitter. Criteria: DASA Assertion Criteria. Collection method: clinical testing. Allele origin: germline.
Comment: NM_015015.3(KDM4B):c.3206C>T (p.Thr1069Met) is a missense variant that results in the substitution of threonine with methionine. This variant is rare in population databases. Computational prediction algorithms are consistent with a benign effect. The currently available literature and clinical evidence are not sufficient to establish a definitive association between this variant and the reported condition. Therefore, this variant is classified as a variant of uncertain significance.

NM_015015.3(KDM4B):c.3206C>T (p.Thr1069Met)

Gene: KDM4B (lysine demethylase 4B; plus strand). Cytogenetic location: 19p13.3.
Variant type: single nucleotide variant.
Coding change: c.3206C>T on transcript NM_015015.3 (MANE Select); coding-DNA position 3206, C replaced by T.
Protein change: p.Thr1069Met; replaces threonine 1069 with methionine.
Molecular consequence: missense variant.
Genome position (GRCh38, 1-based): chr19:5,151,426, C>T. VCF-style: chr19-5151426-C-T. GRCh37 (hg19) VCF-style: chr19-5151437-C-T.
Other names: c.3308C>T, p.Thr1103Met (NM_001411148.1); short protein forms T1069M, T1103M.
Identifiers: ClinVar variation 4886130 (VCV004886130.2).